The following is an entry in ClinVar:

ClinVar aggregate classification (germline): Uncertain significance. Review status: criteria provided, multiple submitters, no conflicts (2 of 4 stars). 5 submissions from 5 submitters: Uncertain significance (4). 1 of the submissions does not count toward it. Last evaluated 2024-02-29.

Conditions:
Charcot-Marie-Tooth disease. Also called: Charcot-Marie-Tooth Hereditary Neuropathy; Charcot-Marie-Tooth Neuropathy. Identifiers: Orphanet 166, MedGen C0007959, MONDO:0015626.
Charcot-Marie-Tooth disease, type I (CMT1). Also called: Charcot-Marie-Tooth, Type 1; Charcot-Marie-Tooth disease type 1. Identifiers: Orphanet 65753, MedGen C0751036, MONDO:0019011.

Allele frequency attached by ClinVar (database versions not stated): gnomAD 0.00001; TOPMed 0.00001; ExAC 0.00002.
gnomAD v4.1: 19 of 1,614,132 alleles (0.0012%); highest among the groups gnomAD compares: South Asian, 0.013%; no homozygotes.

Submissions (5):

GeneDx
Classification: Uncertain significance. Last evaluated: 2024-02-29. Review status: criteria provided, single submitter. Criteria: GeneDx Variant Classification Process June 2021. Collection method: clinical testing. Allele origin: germline. Affected: yes.
Comment: Reported in siblings with early onset severe Charcot-Marie-Tooth disease who also harbored the recurrent PMP22 duplication associated with CMT1A (PMID: 23197742); In silico analysis supports that this missense variant does not alter protein structure/function; Missense variants in this gene are a common cause of disease and they are underrepresented in the general population; This variant is associated with the following publications: (PMID: 20461396, 26310628, 32376792, 26392352, 15642860, 23197742)

Labcorp Genetics (formerly Invitae), Labcorp
Classification: Uncertain significance for Charcot-Marie-Tooth disease, type I. Last evaluated: 2024-02-25. Review status: criteria provided, single submitter. Criteria: Invitae Variant Classification Sherloc (09022015). Collection method: clinical testing. Allele origin: germline.
Comment: This sequence change replaces arginine, which is basic and polar, with cysteine, which is neutral and slightly polar, at codon 67 of the MPZ protein (p.Arg67Cys). This variant is present in population databases (rs775361544, gnomAD 0.02%). This missense change has been observed in individual(s) with Charcot-Marie-Tooth disease (PMID: 23197742). ClinVar contains an entry for this variant (Variation ID: 637803). Advanced modeling of protein sequence and biophysical properties (such as structural, functional, and spatial information, amino acid conservation, physicochemical variation, residue mobility, and thermodynamic stability) performed at Invitae indicates that this missense variant is not expected to disrupt MPZ protein function with a negative predictive value of 80%. This variant disrupts the p.Arg67 amino acid residue in MPZ. Other variant(s) that disrupt this residue have been determined to be pathogenic (PMID: 15642860, 26392352, 32376792; Invitae). This suggests that this residue is clinically significant, and that variants that disrupt this residue are likely to be disease-causing. In summary, the available evidence is currently insufficient to determine the role of this variant in disease. Therefore, it has been classified as a Variant of Uncertain Significance.

ARUP Laboratories, Molecular Genetics and Genomics, ARUP Laboratories
Classification: Uncertain significance. Last evaluated: 2020-04-04. Review status: criteria provided, single submitter. Criteria: ARUP Molecular Germline Variant Investigation Process. Collection method: clinical testing. Allele origin: germline.
Comment: The MPZ c.199C>T; p.Arg67Cys variant (rs775361544) is reported in the literature in two siblings affected with Charcot-Marie-Tooth disease, as well as their asymptomatic mother (Young 2013). However, both affected siblings also carried a PMP22 duplication that was also found in a third affected sibling who did not carry p.Arg67Cys. The p.Arg67Cys variant is found on only seven chromosomes (7/282678 alleles) in the Genome Aggregation Database. The arginine at codon 67 is moderately conserved, and computational analyses (SIFT, PolyPhen-2) predict that this variant is deleterious. . Other amino acid substitutions at this codon (p.Arg67His, p.Arg67Pro) have been reported in individuals with symptoms of CMT; however, the clinical significance of these variants in disease is uncertain (Hisama 2005, Antoniadi 2015). Given the lack of clinical and functional data, the significance of the p.Arg67Cys variant is uncertain at this time. References: Antoniadi T et al. Application of targeted multi-gene panel testing for the diagnosis of inherited peripheral neuropathy provides a high diagnostic yield with unexpected phenotype-genotype variability. BMC Med Genet. 2015 Sep 21;16:84. Hisama FM. Familial periodic paralysis and Charcot-Marie-Tooth disease in a 7-generation family. Arch Neurol. 2005 Jan;62(1):135-8. Young T et al. Compound Charcot-Marie-Tooth disease: a kindred with severe hereditary neuropathy, pupil abnormalities and a novel MPZ mutation. J Neurol Neurosurg Psychiatry. 2013 Feb;84(2):234-6.

CeGaT Center for Human Genetics Tuebingen
Classification: Uncertain significance. Last evaluated: 2019-06-01. Review status: criteria provided, single submitter. Criteria: CeGaT Center For Human Genetics Tuebingen Variant Classification Criteria Version 2. Collection method: clinical testing. Allele origin: germline. Affected: yes. Observed: 1 variant allele.

Inherited Neuropathy Consortium
Classification: Uncertain significance for Charcot-Marie-Tooth disease. Review status: no assertion criteria provided. Collection method: literature only. Allele origin: germline. Affected: yes. Not counted in ClinVar's aggregate classification.

Literature cited by the submitters: PubMed 23197742 (cited by Labcorp Genetics (formerly Invitae), Labcorp and Inherited Neuropathy Consortium); PubMed 15642860 (cited by Labcorp Genetics (formerly Invitae), Labcorp); PubMed 26392352 (cited by Labcorp Genetics (formerly Invitae), Labcorp); PubMed 32376792 (cited by Labcorp Genetics (formerly Invitae), Labcorp).

NM_000530.8(MPZ):c.199C>T (p.Arg67Cys)

Gene: MPZ (myelin protein zero; minus strand). Cytogenetic location: 1q23.3.
Variant type: single nucleotide variant.
Coding change: c.199C>T on transcript NM_000530.8 (MANE Select); coding-DNA position 199, C replaced by T.
Protein change: p.Arg67Cys; replaces arginine 67 with cysteine.
Molecular consequence: missense variant.
Genome position (GRCh38, 1-based): chr1:161,307,293, G>A on the plus strand (C>T on the coding strand, the complement: MPZ is on the minus strand). VCF-style: chr1-161307293-G-A. GRCh37 (hg19) VCF-style: chr1-161277083-G-A.
Other names: c.199C>T, p.Arg67Cys (NM_001315491.2); c.199C>T (LRG_256t1); short protein forms R67C.
Identifiers: ClinVar variation 637803 (VCV000637803.55), dbSNP rs775361544, ClinGen allele CA1210218.
Genomic context (GRCh38, chr1:161,307,293, plus strand): 5'-CCCCAGGATTCCCCCAGGCACTCACCGAAATGGCATCTCTGCCCCCTTCGGGCTGGTAGC[G>A]CCAGGTGAAGGAGATGTCATCTGAGACCCACTCACTGGACCAGAAGGAGCAGTGCAGGGT-3'
Protein context (NP_000521.2, residues 57-77): WVSDDISFTW[Arg67Cys]YQPEGGRDAI